The following is an entry in ClinVar:

ClinVar aggregate classification (germline): Pathogenic (1 of 4 stars; one submission).

Conditions:
Dilated cardiomyopathy 1KK (CMD1KK). Identifiers: Orphanet 154, Orphanet 75249, MedGen C3714995, MONDO:0014100, OMIM 615248.

Submission:

Labcorp Genetics (formerly Invitae), Labcorp
Classification: Pathogenic for Dilated cardiomyopathy 1KK. Last evaluated: 2025-06-09. Review status: criteria provided, single submitter. Criteria: Invitae Variant Classification Sherloc (09022015). Collection method: clinical testing. Allele origin: germline.
Comment: This sequence change creates a premature translational stop signal (p.Asp1081Alafs*8) in the MYPN gene. It is expected to result in an absent or disrupted protein product. Loss-of-function variants in MYPN are known to be pathogenic (PMID: 28017374). This variant is not present in population databases (gnomAD no frequency). This variant has not been reported in the literature in individuals affected with MYPN-related conditions. ClinVar contains an entry for this variant (Variation ID: 3650465). For these reasons, this variant has been classified as Pathogenic.

Literature cited by the submitters: PubMed 28017374.

NM_032578.4(MYPN):c.3242_3261del (p.Asp1081fs)

Gene: MYPN (myopalladin; plus strand). Cytogenetic location: 10q21.3.
Variant type: Deletion.
Coding change: c.3242_3261del on transcript NM_032578.4 (MANE Select); coding-DNA positions 3242 to 3261, 20 bases deleted (ATATGGTAGCTCATGAGGGG).
Protein change: p.Asp1081fs; shifts the reading frame from aspartic acid 1081.
Molecular consequence: frameshift variant. On other transcripts: non-coding transcript variant (2).
Genome position (GRCh38, 1-based): chr10:68,197,435-68,197,454, ATATGGTAGCTCATGAGGGG deleted; deleting any 20 consecutive bases within chr10:68,197,431-68,197,454 gives the same sequence; the c. name uses the placement nearest the transcript's 3' end. VCF-style (leftmost placement, unchanged base first): chr10-68197430-TGGGGATATGGTAGCTCATGA-T. GRCh37 (hg19) VCF-style: chr10-69957187-TGGGGATATGGTAGCTCATGA-T.
Other names: c.3242_3261del, p.Asp1081fs (NM_001256267.2); c.2360_2379del, p.Asp787fs (NM_001256268.2); short protein forms D787fs, D1081fs.
Identifiers: ClinVar variation 3650465 (VCV003650465.2).